The following is an entry in ClinVar:

NM_000057.4(BLM):c.2687T>C (p.Leu896Pro)

Gene: BLM (BLM RecQ like helicase; plus strand). Cytogenetic location: 15q26.1.
Variant type: single nucleotide variant.
Coding change: c.2687T>C on transcript NM_000057.4 (MANE Select); coding-DNA position 2687, T replaced by C.
Protein change: p.Leu896Pro; replaces leucine 896 with proline.
Molecular consequence: missense variant.
Genome position (GRCh38, 1-based): chr15:90,784,945, T>C. VCF-style: chr15-90784945-T-C. GRCh37 (hg19) VCF-style: chr15-91328175-T-C.
Other names: c.2687T>C, p.Leu896Pro (NM_001287246.2, NM_001287247.2); c.1562T>C, p.Leu521Pro (NM_001287248.2); short protein forms L521P, L896P.
Identifiers: ClinVar variation 1794746 (VCV001794746.2), dbSNP rs2505501340, ClinGen allele CA393845897.

ClinVar aggregate classification (germline): Uncertain significance (1 of 4 stars; one submission).

Conditions:
Hereditary cancer-predisposing syndrome. Also called: Tumor predisposition; Hereditary Cancer Syndrome; Neoplastic Syndromes, Hereditary; Hereditary neoplastic syndrome. Identifiers: Orphanet 140162, MedGen C0027672, MeSH D009386, MONDO:0015356.

Submission:

Ambry Genetics
Classification: Uncertain significance for Hereditary cancer-predisposing syndrome. Last evaluated: 2021-09-30. Review status: criteria provided, single submitter. Criteria: Ambry Variant Classification Scheme 2023. Collection method: clinical testing. Allele origin: germline.
Comment: The p.L896P variant (also known as c.2687T>C), located in coding exon 13 of the BLM gene, results from a T to C substitution at nucleotide position 2687. The leucine at codon 896 is replaced by proline, an amino acid with similar properties. This amino acid position is conserved. In addition, this alteration is predicted to be deleterious by in silico analysis. Since supporting evidence is limited at this time, the clinical significance of this alteration remains unclear.